The following is an entry in ClinVar:

ClinVar aggregate classification (germline): Uncertain significance (1 of 4 stars; one submission).

Conditions:
Familial cancer of breast. Also called: Hereditary breast cancer; hereditary breast carcinoma; BREAST CANCER, FAMILIAL. Identifiers: Orphanet 227535, MedGen C0346153, MONDO:0016419, OMIM 114480. Disease mechanism: loss of function.

Submission:

Labcorp Genetics (formerly Invitae), Labcorp
Classification: Uncertain significance for Familial cancer of breast. Last evaluated: 2024-12-22. Review status: criteria provided, single submitter. Criteria: Invitae Variant Classification Sherloc (09022015). Collection method: clinical testing. Allele origin: germline.
Comment: This sequence change replaces glycine, which is neutral and non-polar, with valine, which is neutral and non-polar, at codon 370 of the CHEK2 protein (p.Gly370Val). This variant is not present in population databases (gnomAD no frequency). This variant has not been reported in the literature in individuals affected with CHEK2-related conditions. ClinVar contains an entry for this variant (Variation ID: 1005704). An algorithm developed to predict the effect of missense changes on protein structure and function (PolyPhen-2) suggests that this variant is likely to be disruptive. In summary, the available evidence is currently insufficient to determine the role of this variant in disease. Therefore, it has been classified as a Variant of Uncertain Significance.

NM_007194.4(CHEK2):c.1109G>T (p.Gly370Val)

Gene: CHEK2 (checkpoint kinase 2; minus strand). Cytogenetic location: 22q12.1.
Variant type: single nucleotide variant.
Coding change: c.1109G>T on transcript NM_007194.4 (MANE Select); coding-DNA position 1109, G replaced by T.
Protein change: p.Gly370Val; replaces glycine 370 with valine.
Molecular consequence: missense variant.
Genome position (GRCh38, 1-based): chr22:28,695,860, C>A on the plus strand (G>T on the coding strand, the complement: CHEK2 is on the minus strand). VCF-style: chr22-28695860-C-A. GRCh37 (hg19) VCF-style: chr22-29091848-C-A.
Other names: c.1238G>T, p.Gly413Val (NM_001005735.3); c.446G>T, p.Gly149Val (NM_001257387.3); c.908G>T, p.Gly303Val (NM_001349956.3); c.1022G>T, p.Gly341Val (NM_145862.3); short protein forms G149V, G303V, G341V, G370V, G413V.
Identifiers: ClinVar variation 1005704 (VCV001005704.9), dbSNP rs587780166, ClinGen allele CA411097134.